The following is an entry in ClinVar:

NM_024675.4(PALB2):c.380A>T (p.His127Leu)

Gene: PALB2 (partner and localizer of BRCA2; minus strand). Cytogenetic location: 16p12.2.
Variant type: single nucleotide variant.
Coding change: c.380A>T on transcript NM_024675.4 (MANE Select); coding-DNA position 380, A replaced by T.
Protein change: p.His127Leu; replaces histidine 127 with leucine.
Molecular consequence: missense variant.
Genome position (GRCh38, 1-based): chr16:23,636,166, T>A on the plus strand (A>T on the coding strand, the complement: PALB2 is on the minus strand). VCF-style: chr16-23636166-T-A. GRCh37 (hg19) VCF-style: chr16-23647487-T-A.
Other names: short protein forms H127L.
Identifiers: ClinVar variation 834836 (VCV000834836.11), dbSNP rs863224789, ClinGen allele CA395137485.
Genomic context (GRCh38, chr16:23,636,166, plus strand): 5'-CTTCTGCTTGGCAGCTTCTGCTTTTGCTCACCACTAGGGTCACTGACCCTGTGGGGAAAA[T>A]GTTCTTGGGTGTCATCTGTTCTTTGTATAGGTAATCCTCCTGGGCCATCTCCAGGGTTAA-3'
Protein context (NP_078951.2, residues 117-137): PIQRTDDTQE[His127Leu]FPHRVSDPSG

ClinVar aggregate classification (germline): Conflicting classifications of pathogenicity. Review status: criteria provided, conflicting classifications (1 of 4 stars). 2 submissions from 2 submitters: Uncertain significance (1); Likely benign (1). Last evaluated 2025-07-31.

Conditions:
Hereditary cancer-predisposing syndrome. Also called: Hereditary neoplastic syndrome; Neoplastic Syndromes, Hereditary; Tumor predisposition; Hereditary Cancer Syndrome. Identifiers: Orphanet 140162, MedGen C0027672, MeSH D009386, MONDO:0015356.
Familial cancer of breast. Also called: hereditary breast carcinoma; BREAST CANCER, FAMILIAL; Hereditary breast cancer. Identifiers: Orphanet 227535, MedGen C0346153, MONDO:0016419, OMIM 114480. Disease mechanism: loss of function.

Submissions (2):

Ambry Genetics
Classification: Likely benign for Hereditary cancer-predisposing syndrome. Last evaluated: 2025-07-31. Review status: criteria provided, single submitter. Criteria: Ambry Variant Classification Scheme 2023. Collection method: clinical testing. Allele origin: germline.

Labcorp Genetics (formerly Invitae), Labcorp
Classification: Uncertain significance for Familial cancer of breast. Last evaluated: 2019-04-09. Review status: criteria provided, single submitter. Criteria: Invitae Variant Classification Sherloc (09022015). Collection method: clinical testing. Allele origin: germline.
Comment: This sequence change replaces histidine with leucine at codon 127 of the PALB2 protein (p.His127Leu). The histidine residue is weakly conserved and there is a moderate physicochemical difference between histidine and leucine. This variant is not present in population databases (ExAC no frequency). This variant has not been reported in the literature in individuals with PALB2-related conditions. Algorithms developed to predict the effect of missense changes on protein structure and function output the following: SIFT: "Tolerated"; PolyPhen-2: "Benign"; Align-GVGD: "Class C0". The leucine amino acid residue is found in multiple mammalian species, suggesting that this missense change does not adversely affect protein function. These predictions have not been confirmed by published functional studies and their clinical significance is uncertain. In summary, the available evidence is currently insufficient to determine the role of this variant in disease. Therefore, it has been classified as a Variant of Uncertain Significance.